The following is an entry in ClinVar:

NM_001371986.1(UNC80):c.1795C>T (p.Leu599Phe)

Gene: UNC80 (unc-80 homolog, NALCN channel complex subunit; plus strand). Cytogenetic location: 2q34.
Variant type: single nucleotide variant.
Coding change: c.1795C>T on transcript NM_001371986.1 (MANE Select); coding-DNA position 1795, C replaced by T.
Protein change: p.Leu599Phe; replaces leucine 599 with phenylalanine.
Molecular consequence: missense variant.
Genome position (GRCh38, 1-based): chr2:209,819,094, C>T. VCF-style: chr2-209819094-C-T. GRCh37 (hg19) VCF-style: chr2-210683818-C-T.
Other names: c.1795C>T, p.Leu599Phe (NM_032504.2, NM_182587.4); c.1795C>T (NM_032504.1); short protein forms L599F.
Identifiers: ClinVar variation 1421198 (VCV001421198.4), dbSNP rs1054019518, ClinGen allele CA64668259.
Genomic context (GRCh38, chr2:209,819,094, plus strand): 5'-ACCACTTTGGCGTCATTCAACGTAGGCTATGCAGACTTTTTCAATGAGCATATGAGGAAA[C>T]TCTGCAACCAGGTGCCTATCCCGGAGATGCCACATGAACCTCTGGCATGTGCTAACCTAC-3'
Protein context (NP_001358915.1, residues 589-609): ADFFNEHMRK[Leu599Phe]CNQVPIPEMP

ClinVar aggregate classification (germline): Uncertain significance. Review status: criteria provided, multiple submitters, no conflicts (2 of 4 stars). 2 submissions from 2 submitters: Uncertain significance (2). Last evaluated 2023-05-26.

Conditions:
Inborn genetic diseases. Identifiers: MedGen C0950123, MeSH D030342.

Allele frequency attached by ClinVar (database versions not stated): gnomAD exomes below 0.00001; TOPMed 0.00002; gnomAD 0.00003 and 0.00004.
gnomAD v4.1: 6 of 1,552,008 alleles (0.00039%); highest among the groups gnomAD compares: African/African-American, 0.0082%; no homozygotes.

Submissions (2):

Ambry Genetics
Classification: Uncertain significance for Inborn genetic diseases. Last evaluated: 2023-05-26. Review status: criteria provided, single submitter. Criteria: Ambry Variant Classification Scheme 2023. Collection method: clinical testing. Allele origin: germline.

Labcorp Genetics (formerly Invitae), Labcorp
Classification: Uncertain significance. Last evaluated: 2022-07-06. Review status: criteria provided, single submitter. Criteria: Invitae Variant Classification Sherloc (09022015). Collection method: clinical testing. Allele origin: germline.
Comment: This sequence change replaces leucine, which is neutral and non-polar, with phenylalanine, which is neutral and non-polar, at codon 599 of the UNC80 protein (p.Leu599Phe). This variant is present in population databases (no rsID available, gnomAD 0.01%). This variant has not been reported in the literature in individuals affected with UNC80-related conditions. ClinVar contains an entry for this variant (Variation ID: 1421198). Algorithms developed to predict the effect of missense changes on protein structure and function are either unavailable or do not agree on the potential impact of this missense change (SIFT: "Not Available"; PolyPhen-2: "Probably Damaging"; Align-GVGD: "Not Available"). In summary, the available evidence is currently insufficient to determine the role of this variant in disease. Therefore, it has been classified as a Variant of Uncertain Significance.